The following is an entry in ClinVar:

ClinVar aggregate classification (germline): Pathogenic (1 of 4 stars; one submission).

Conditions:
Familial hypocalciuric hypercalcemia (FHH). Also called: Familial benign hypercalcemia. Identifiers: Orphanet 405, MedGen C1809471, MONDO:0018458.

Submission:

Women's Health and Genetics/Laboratory Corporation of America, LabCorp
Classification: Pathogenic for Familial hypocalciuric hypercalcemia. Last evaluated: 2024-11-08. Review status: criteria provided, single submitter. Criteria: LabCorp Variant Classification Summary - May 2015. Collection method: clinical testing. Allele origin: germline.
Comment: Variant summary: CASR c.1825_1826dupAC (p.Glu610ArgfsX18) results in a premature termination codon, predicted to cause a truncation of the encoded protein or absence of the protein due to nonsense mediated decay, which are commonly known mechanisms for disease. Variants downstream of this position have been classified as pathogenic by our laboratory and in ClinVar. The variant was absent in 251482 control chromosomes. To our knowledge, no occurrence of c.1825_1826dupAC in individuals affected with Familial Hypocalciuric Hypercalcemia and no experimental evidence demonstrating its impact on protein function have been reported. No submitters have cited clinical-significance assessments for this variant to ClinVar. Based on the evidence outlined above, the variant was classified as pathogenic.

NM_000388.4(CASR):c.1825_1826dup (p.Glu610fs)

Gene: CASR (calcium sensing receptor; plus strand). Cytogenetic location: 3q21.1.
Variant type: Duplication.
Coding change: c.1825_1826dup on transcript NM_000388.4 (MANE Select); coding-DNA positions 1825 to 1826, 2 bases duplicated (AC; older notation c.1825_1826dupAC).
Protein change: p.Glu610fs; shifts the reading frame from glutamic acid 610.
Molecular consequence: frameshift variant.
Genome position (GRCh38, 1-based): chr3:122,283,779-122,283,780, AC duplicated. VCF-style (leftmost placement, unchanged base first): chr3-122283778-G-GAC. GRCh37 (hg19) VCF-style: chr3-122002625-G-GAC.
Other names: c.1855_1856dup, p.Glu620fs (NM_001178065.2); c.1825_1826dupAC (NM_000388.4); short protein forms E610fs, E620fs.
Identifiers: ClinVar variation 3629766 (VCV003629766.1).
Genomic context (GRCh38, chr3:122,283,778, plus strand): 5'-CTTCTGGTCCAATGAGAACCACACCTCCTGCATTGCCAAGGAGATCGAGTTTCTGTCGTG[G>GAC]ACGGAGCCCTTTGGGATCGCACTCACCCTCTTTGCCGTGCTGGGCATTTTCCTGACAGCC-3'